The following is an entry in ClinVar:

NM_001386298.1(CIC):c.6493C>T (p.Arg2165Trp)

Gene: CIC (capicua transcriptional repressor; plus strand). Cytogenetic location: 19q13.2.
Variant type: single nucleotide variant.
Coding change: c.6493C>T on transcript NM_001386298.1 (MANE Select); coding-DNA position 6493, C replaced by T.
Protein change: p.Arg2165Trp; replaces arginine 2165 with tryptophan.
Molecular consequence: missense variant.
Genome position (GRCh38, 1-based): chr19:42,293,252, C>T. VCF-style: chr19-42293252-C-T. GRCh37 (hg19) VCF-style: chr19-42797404-C-T.
Other names: c.6493C>T, p.Arg2165Trp (NM_001304815.2, NM_001379482.1); c.6490C>T, p.Arg2164Trp (NM_001379480.1); c.3766C>T, p.Arg1256Trp (NM_001379484.1, NM_001379485.1, NM_015125.5); short protein forms R1256W, R2164W, R2165W.
Identifiers: ClinVar variation 3336423 (VCV003336423.1).

ClinVar aggregate classification (germline): Uncertain significance (1 of 4 stars; one submission).

gnomAD v4.1: 20 of 1,586,934 alleles (0.0013%); highest among the groups gnomAD compares: Admixed American, 0.011%; no homozygotes.

Submission:

Women's Health and Genetics/Laboratory Corporation of America, LabCorp
Classification: Uncertain significance. Last evaluated: 2024-05-23. Review status: criteria provided, single submitter. Criteria: LabCorp Variant Classification Summary - May 2015. Collection method: clinical testing. Allele origin: germline.
Comment: Variant summary: CIC c.3766C>T (p.Arg1256Trp) results in a non-conservative amino acid change in the encoded protein sequence. Three of five in-silico tools predict a benign effect of the variant on protein function. The variant allele was found at a frequency of 3.6e-05 in 193506 control chromosomes. The available data on variant occurrences in the general population are insufficient to allow any conclusion about variant significance. To our knowledge, no occurrence of c.3766C>T in individuals affected with Mental Retardation, Autosomal Dominant 45 and no experimental evidence demonstrating its impact on protein function have been reported. No submitters have cited clinical-significance assessments for this variant to ClinVar. Based on the evidence outlined above, the variant was classified as uncertain significance.